The following is an entry in ClinVar:

NM_000080.4(CHRNE):c.1042G>A (p.Glu348Lys)

Genes: CHRNE (cholinergic receptor nicotinic epsilon subunit; minus strand), LOC130060041 (ATAC-STARR-seq lymphoblastoid silent region 8050; plus strand). Cytogenetic location: 17p13.2.
Variant type: single nucleotide variant.
Coding change: c.1042G>A on transcript NM_000080.4 (MANE Select); coding-DNA position 1042, G replaced by A.
Protein change: p.Glu348Lys; replaces glutamic acid 348 with lysine.
Molecular consequence: missense variant.
Genome position (GRCh38, 1-based): chr17:4,899,375, C>T on the plus strand (G>A on the coding strand, the complement: CHRNE is on the minus strand). VCF-style: chr17-4899375-C-T. GRCh37 (hg19) VCF-style: chr17-4802670-C-T.
Other names: c.1042G>A, p.Glu348Lys (LRG_1254t1); short protein forms E348K.
Identifiers: ClinVar variation 284315 (VCV000284315.16), dbSNP rs757968612, ClinGen allele CA8314041.
Genomic context (GRCh38, chr17:4,899,375, plus strand): 5'-GCGAGGCGGCCCGGGGGGCCTCGGGCGGCGGCGGGGAGCCCAGGAGGCGCGGCAGCAGCT[C>T]CAGGAGAACCTGGGGCAGGGGCGGGGCTTAGGGGACGAGGTTAGTACGAAGCCCCACCCC-3'
Protein context (NP_000071.1, residues 338-358): MSPRLRHVLL[Glu348Lys]LLPRLLGSPP

ClinVar aggregate classification (germline): Uncertain significance. Review status: criteria provided, multiple submitters, no conflicts (2 of 4 stars). 7 submissions from 7 submitters: Uncertain significance (5). 2 of the submissions do not count toward it. Last evaluated 2024-08-09.

Conditions:
CHRNE-related disorder. Also called: CHRNE-related condition.
Congenital myasthenic syndrome 4A. Also called: Myasthenic syndrome, congenital, 4a, slow-channel; MYASTHENIC SYNDROME, CONGENITAL, 4A, SLOW-CHANNEL, AUTOSOMAL RECESSIVE; CONGENITAL MYASTHENIC SYNDROME TYPE Ia1. Identifiers: Orphanet 590, MedGen C4225413, MONDO:0011600, OMIM 605809.
Congenital myasthenic syndrome 4C (CMS4C). Also called: Myasthenic syndrome, congenital, associated with acetylcholine receptor deficiency. Identifiers: Orphanet 590, MedGen C1837091, MONDO:0012157, OMIM 608931.
Congenital myasthenic syndrome 4B. Also called: Myasthenic syndrome, congenital, 4b, fast-channel. Identifiers: Orphanet 590, MedGen C4225369, MONDO:0014586, OMIM 616324.
Congenital myasthenic syndrome (CMS). Also called: Congenital Myasthenic Syndromes. Identifiers: Orphanet 590, MedGen C0751882, MeSH D020294, MONDO:0018940.
Inborn genetic diseases. Identifiers: MedGen C0950123, MeSH D030342.

Allele frequency attached by ClinVar (database versions not stated): ExAC below 0.00001; gnomAD exomes 0.00008 and 0.00024; TOPMed 0.00008; gnomAD 0.00013.
gnomAD v4.1: 339 of 1,533,336 alleles (0.022%); highest among the groups gnomAD compares: Non-Finnish European, 0.028%; no homozygotes.

Submissions (7):

Labcorp Genetics (formerly Invitae), Labcorp
Classification: Uncertain significance for Congenital myasthenic syndrome 4A. Last evaluated: 2024-08-09. Review status: criteria provided, single submitter. Criteria: Invitae Variant Classification Sherloc (09022015). Collection method: clinical testing. Allele origin: germline.
Comment: This sequence change replaces glutamic acid, which is acidic and polar, with lysine, which is basic and polar, at codon 348 of the CHRNE protein (p.Glu348Lys). This variant is present in population databases (rs757968612, gnomAD 0.02%). This variant has not been reported in the literature in individuals affected with CHRNE-related conditions. ClinVar contains an entry for this variant (Variation ID: 284315). Advanced modeling of protein sequence and biophysical properties (such as structural, functional, and spatial information, amino acid conservation, physicochemical variation, residue mobility, and thermodynamic stability) performed at Invitae indicates that this missense variant is not expected to disrupt CHRNE protein function with a negative predictive value of 95%. In summary, the available evidence is currently insufficient to determine the role of this variant in disease. Therefore, it has been classified as a Variant of Uncertain Significance.

Ambry Genetics
Classification: Uncertain significance for Inborn genetic diseases. Last evaluated: 2023-08-02. Review status: criteria provided, single submitter. Criteria: Ambry Variant Classification Scheme 2023. Collection method: clinical testing. Allele origin: germline.

Revvity Omics, Revvity
Classification: Uncertain significance. Last evaluated: 2019-05-31. Review status: criteria provided, single submitter. Criteria: ACMG Guidelines, 2015. Collection method: clinical testing. Allele origin: germline.

Fulgent Genetics
Classification: Uncertain significance for Congenital myasthenic syndrome 4A; Congenital myasthenic syndrome 4C; Congenital myasthenic syndrome 4B. Last evaluated: 2018-10-31. Review status: criteria provided, single submitter. Criteria: ACMG Guidelines, 2015. Collection method: clinical testing. Allele origin: unknown.

Eurofins Ntd Llc (ga)
Classification: Uncertain significance. Last evaluated: 2015-11-12. Review status: criteria provided, single submitter. Criteria: EGL Classification Definitions 2015. Collection method: clinical testing. Allele origin: germline. Observed: 2 variant alleles, 2 heterozygotes.

PreventionGenetics, part of Exact Sciences
Classification: Uncertain significance for CHRNE-related condition. Last evaluated: 2024-09-04. Review status: no assertion criteria provided. Collection method: clinical testing. Allele origin: germline. Not counted in ClinVar's aggregate classification.
Comment: The CHRNE c.1042G>A variant is predicted to result in the amino acid substitution p.Glu348Lys. To our knowledge, this variant has not been reported in the literature. This variant is reported in 0.018% of alleles in individuals of European (non-Finnish) descent in gnomAD. At this time, the clinical significance of this variant is uncertain due to the absence of conclusive functional and genetic evidence.

Natera, Inc.
Classification: Uncertain significance for Congenital myasthenic syndrome. Last evaluated: 2020-02-26. Review status: no assertion criteria provided. Collection method: clinical testing. Allele origin: germline. Not counted in ClinVar's aggregate classification.